The following is an entry in ClinVar:

ClinVar aggregate classification (germline): Uncertain significance (1 of 4 stars; one submission).

Submission:

GeneDx
Classification: Uncertain significance. Last evaluated: 2023-07-17. Review status: criteria provided, single submitter. Criteria: GeneDx Variant Classification Process June 2021. Collection method: clinical testing. Allele origin: germline. Affected: yes.
Comment: Not observed at significant frequency in large population cohorts (gnomAD); In silico analysis supports that this missense variant has a deleterious effect on protein structure/function; Has not been previously published as pathogenic or benign to our knowledge

NM_014491.4(FOXP2):c.341C>T (p.Ser114Phe)

Gene: FOXP2 (forkhead box P2; plus strand). Cytogenetic location: 7q31.1.
Variant type: single nucleotide variant.
Coding change: c.341C>T on transcript NM_014491.4 (MANE Select); coding-DNA position 341, C replaced by T.
Protein change: p.Ser114Phe; replaces serine 114 with phenylalanine.
Molecular consequence: missense variant. On other transcripts: non-coding transcript variant (2).
Genome position (GRCh38, 1-based): chr7:114,628,622, C>T. VCF-style: chr7-114628622-C-T. GRCh37 (hg19) VCF-style: chr7-114268677-C-T.
Other names: c.341C>T, p.Ser114Phe (NM_001172766.3, NM_148899.3, NM_148900.4); c.416C>T, p.Ser139Phe (NM_001172767.2, NM_148898.4); short protein forms S114F, S139F.
Identifiers: ClinVar variation 3361210 (VCV003361210.1).